The following is an entry in ClinVar:

NM_001482.3(GATM):c.-1G>A

Genes: GATM (glycine amidinotransferase; minus strand), LOC130056991 (ATAC-STARR-seq lymphoblastoid silent region 6406; plus strand). Cytogenetic location: 15q21.1.
Variant type: single nucleotide variant.
Coding change: c.-1G>A on transcript NM_001482.3 (MANE Select); 1 bases upstream of the start codon, G replaced by A.
Molecular consequence: 5 prime UTR variant. On other transcripts: intron variant (1).
Genome position (GRCh38, 1-based): chr15:45,378,454, C>T on the plus strand (G>A on the coding strand, the complement: GATM is on the minus strand). VCF-style: chr15-45378454-C-T. GRCh37 (hg19) VCF-style: chr15-45670652-C-T.
Other names: c.-318-1635G>A (NM_001321015.2).
Identifiers: ClinVar variation 431820 (VCV000431820.7), dbSNP rs778453861, ClinGen allele CA7543026.
Genomic context (GRCh38, chr15:45,378,454, plus strand): 5'-GATGTAGTGCACCGCCTCGGCGCCGCGGCTCCCGCCGCGCAGACACCGCACCCGCAGCAT[C>T]GCCCTGGCCCGGCTGGTCCACGCGCGGAATGTTCCTGGCCTCTGGGCCGCGTCGGTCCAA-3'

ClinVar aggregate classification (germline): Uncertain significance. Review status: criteria provided, multiple submitters, no conflicts (2 of 4 stars). 3 submissions from 3 submitters: Uncertain significance (3). Last evaluated 2024-01-17.

Conditions:
Fanconi renotubular syndrome 1. Also called: Toni-Debre-Fanconi syndrome; Neonatal De Toni-Debre-Fanconi syndrome; De Toni-Fanconi syndrome; FRTS1; LUDER-SHELDON SYNDROME. Identifiers: MedGen C4551503, MONDO:0024525, OMIM 134600.
Arginine:glycine amidinotransferase deficiency (CCDS3). Also called: Creatine deficiency syndrome due to AGAT deficiency; GATM deficiency; Cerebral creatine deficiency syndrome 3; L-Arginine:Glycine Amidinotransferase (AGAT) Deficiency; L-Arginine:Glycine Amidinotransferase Deficiency; AGAT deficiency. Identifiers: Orphanet 35704, MedGen C2675179, MONDO:0012996, OMIM 612718.
Inborn genetic diseases. Identifiers: MedGen C0950123, MeSH D030342.

Allele frequency attached by ClinVar (database versions not stated): ExAC below 0.00001; TOPMed 0.00009; gnomAD 0.00010 and 0.00011; gnomAD exomes 0.00010 and 0.00034; 1000 Genomes Project 30x 0.00016.
gnomAD v4.1: 447 of 1,463,136 alleles (0.031%); highest among the groups gnomAD compares: Non-Finnish European, 0.039%; 1 homozygote.

Submissions (3):

Ambry Genetics
Classification: Uncertain significance for Inborn genetic diseases. Last evaluated: 2024-01-17. Review status: criteria provided, single submitter. Criteria: Ambry Variant Classification Scheme 2023. Collection method: clinical testing. Allele origin: germline.
Comment: The c.-1G>A variant is located in the 5' untranslated region (5&rsquo; UTR) of the GATM gene. This variant results from a G to A substitution 1 bases upstream from the first translated codon. This nucleotide position is not well conserved in available vertebrate species. Since supporting evidence is limited at this time, the clinical significance of this variant remains unclear.

Fulgent Genetics
Classification: Uncertain significance for Fanconi renotubular syndrome 1; Arginine:glycine amidinotransferase deficiency. Last evaluated: 2022-04-28. Review status: criteria provided, single submitter. Criteria: ACMG Guidelines, 2015. Collection method: clinical testing. Allele origin: unknown.

GeneDx
Classification: Uncertain significance. Last evaluated: 2017-06-16. Review status: criteria provided, single submitter. Criteria: GeneDx Variant Classification (06012015). Collection method: clinical testing. Allele origin: germline. Affected: yes.
Comment: A variant of uncertain significance has been identified in the GATM gene. The c.-1 G>A sequence change in the 5' untranslated region of GATM has not been published as a pathogenic variant, nor has it been reported as a benign variant to our knowledge. The c.-1 G>A variant is not observed in large population cohorts; however, limited data are available (Lek et al., 2016; 1000 Genomes Consortium et al., 2015; Exome Variant Server). This substitution occurs at a position in the Kozak sequence that is not conserved, and it is not expected to alter the ATG initiation codon. Additionally, other regulatory variants have not been reported in the GATM gene in association with AGAT deficiency (Stenson et al., 2014). However, in the absence of RNA/functional studies, the actual effect of this sequence change in this individual is unknown. Therefore, based on the currently available information, it is unclear whether this variant is a pathogenic variant or a rare benign variant.